The following is an entry in ClinVar:

ClinVar aggregate classification (germline): Pathogenic/Likely pathogenic. Review status: criteria provided, multiple submitters, no conflicts (2 of 4 stars). 2 submissions from 2 submitters: Pathogenic (1); Likely pathogenic (1). Last evaluated 2025-11-22.

Conditions:
Weaver syndrome (WVS). Also called: Weaver Smith syndrome; Overgrowth syndrome with accelerated skeletal maturation, unusual facies, and camptodactyly. Identifiers: Orphanet 3447, MedGen C0265210, MONDO:0010193, OMIM 277590.

Submissions (2):

GeneDx
Classification: Likely pathogenic. Last evaluated: 2025-11-22. Review status: criteria provided, single submitter. Criteria: GeneDx Variant Classification Process June 2021. Collection method: clinical testing. Allele origin: germline.
Comment: Not observed at significant frequency in large population cohorts (gnomAD); In silico analysis supports that this missense variant has a deleterious effect on protein structure/function; This variant is associated with the following publications: (PMID: 37383892, 24367637, 32970500, 35641210, 35101336, 22190405, 25495986, 40983660, 28561778)

Labcorp Genetics (formerly Invitae), Labcorp
Classification: Pathogenic for Weaver syndrome. Last evaluated: 2021-12-23. Review status: criteria provided, single submitter. Criteria: Invitae Variant Classification Sherloc (09022015). Collection method: clinical testing. Allele origin: germline.
Comment: This sequence change replaces serine, which is neutral and polar, with leucine, which is neutral and non-polar, at codon 695 of the EZH2 protein (p.Ser695Leu). For these reasons, this variant has been classified as Pathogenic. Advanced modeling of protein sequence and biophysical properties (such as structural, functional, and spatial information, amino acid conservation, physicochemical variation, residue mobility, and thermodynamic stability) performed at Invitae indicates that this missense variant is expected to disrupt EZH2 protein function. This missense change has been observed in individual(s) with clinical features of Weaver syndrome (PMID: 22190405). In at least one individual the variant was observed to be de novo. This variant is not present in population databases (gnomAD no frequency).

Literature cited by the submitters: PubMed 22190405 (cited by Labcorp Genetics (formerly Invitae), Labcorp).

NM_004456.5(EZH2):c.2084C>T (p.Ser695Leu)

Gene: EZH2 (enhancer of zeste 2 polycomb repressive complex 2 subunit; minus strand). Cytogenetic location: 7q36.1.
Variant type: single nucleotide variant.
Coding change: c.2084C>T on transcript NM_004456.5 (MANE Select); coding-DNA position 2084, C replaced by T.
Protein change: p.Ser695Leu; replaces serine 695 with leucine.
Molecular consequence: missense variant.
Genome position (GRCh38, 1-based): chr7:148,809,336, G>A on the plus strand (C>T on the coding strand, the complement: EZH2 is on the minus strand). VCF-style: chr7-148809336-G-A. GRCh37 (hg19) VCF-style: chr7-148506428-G-A.
Other names: c.2069C>T, p.Ser690Leu (NM_001203247.2); c.2042C>T, p.Ser681Leu (NM_001203248.2); c.1916C>T, p.Ser639Leu (NM_001203249.2); c.1952C>T, p.Ser651Leu (NM_152998.3); c.2084C>T (NM_004456.4); short protein forms S651L, S681L, S695L, S690L, S639L.
Identifiers: ClinVar variation 1451532 (VCV001451532.8), dbSNP rs2129467664, ClinGen allele CA369712199.